The following is an entry in ClinVar:

ClinVar aggregate classification (germline): Uncertain significance (1 of 4 stars; one submission).

gnomAD v4.1: 2 of 1,531,766 alleles (0.00013%); highest among the groups gnomAD compares: Non-Finnish European, 0.00018%; no homozygotes.

Submission:

Labcorp Genetics (formerly Invitae), Labcorp
Classification: Uncertain significance. Last evaluated: 2022-07-26. Review status: criteria provided, single submitter. Criteria: Invitae Variant Classification Sherloc (09022015). Collection method: clinical testing. Allele origin: germline.
Comment: ClinVar contains an entry for this variant (Variation ID: 1494336). In summary, the available evidence is currently insufficient to determine the role of this variant in disease. Therefore, it has been classified as a Variant of Uncertain Significance. Algorithms developed to predict the effect of missense changes on protein structure and function are either unavailable or do not agree on the potential impact of this missense change (SIFT: "Deleterious"; PolyPhen-2: "Benign"; Align-GVGD: "Class C15"). This variant has not been reported in the literature in individuals affected with SAMD11-related conditions. This variant is not present in population databases (gnomAD no frequency). This sequence change replaces serine, which is neutral and polar, with phenylalanine, which is neutral and non-polar, at codon 424 of the SAMD11 protein (p.Ser424Phe).

NM_001385641.1(SAMD11):c.1760C>T (p.Ser587Phe)

Gene: SAMD11 (sterile alpha motif domain containing 11; plus strand). Cytogenetic location: 1p36.33.
Variant type: single nucleotide variant.
Coding change: c.1760C>T on transcript NM_001385641.1 (MANE Select); coding-DNA position 1760, C replaced by T.
Protein change: p.Ser587Phe; replaces serine 587 with phenylalanine.
Molecular consequence: missense variant.
Genome position (GRCh38, 1-based): chr1:942,765, C>T. VCF-style: chr1-942765-C-T. GRCh37 (hg19) VCF-style: chr1-878145-C-T.
Other names: c.1763C>T, p.Ser588Phe (NM_001385640.1); c.1271C>T, p.Ser424Phe (NM_152486.4); short protein forms S588F, S424F, S587F.
Identifiers: ClinVar variation 1494336 (VCV001494336.8), dbSNP rs761622868, ClinGen allele CA337810512.
Genomic context (GRCh38, chr1:942,765, plus strand): 5'-CGGCGCCACTGCTGGCCCTGCCCCCCCAGGGGCCCCCGGGCTCCGGACCCCCCACCCCGT[C>T]CCGGGACTCTGCCCGGCGAGCCCCCCGGAAGGGGGGTCCCGGCCCTGCCTCAGCGCGGCC-3'
Protein context (NP_001372570.1, residues 577-597): GPPGSGPPTP[Ser587Phe]RDSARRAPRK